The following is an entry in ClinVar:

NM_001082486.2(ACD):c.250_252del (p.Lys84del)

Gene: ACD (ACD shelterin complex subunit and telomerase recruitment factor; minus strand). Cytogenetic location: 16q22.1.
Variant type: Deletion.
Coding change: c.250_252del on transcript NM_001082486.2 (MANE Select); coding-DNA positions 250 to 252, 3 bases deleted (AAG; older notation c.250_252delAAG).
Protein change: p.Lys84del; deletes lysine 84.
Molecular consequence: inframe deletion.
Genome position (GRCh38, 1-based): chr16:67,659,786-67,659,788, CTT deleted on the plus strand (AAG on the coding strand, the reverse complement: ACD is on the minus strand); deleting any 3 consecutive bases within chr16:67,659,786-67,659,790 gives the same sequence; the c. name uses the placement nearest the transcript's 3' end. VCF-style (leftmost placement, unchanged base first): chr16-67659785-CCTT-C. GRCh37 (hg19) VCF-style: chr16-67693688-CCTT-C.
Other names: c.241_243del, p.Lys81del (NM_022914.3); c.250_252del, p.Lys84del (LRG_1237t1); short protein forms K84del, K81del.
Identifiers: ClinVar variation 208983 (VCV000208983.13), dbSNP rs797045144, ClinGen allele CA214612.

ClinVar aggregate classification (germline): Pathogenic. Review status: criteria provided, single submitter (1 of 4 stars). 4 submissions from 3 submitters: Pathogenic (1). 3 of the submissions do not count toward it. Last evaluated 2022-08-31.

Conditions:
Dyskeratosis congenita, autosomal dominant 6 (DKCA6). Identifiers: Orphanet 3322, MedGen C4225284, MONDO:0014690, OMIM 616553.
Dyskeratosis congenita, autosomal recessive 7 (DKCB7). Identifiers: MedGen C4225283, MONDO:0800370.

Submissions (4):

Labcorp Genetics (formerly Invitae), Labcorp
Classification: Pathogenic for Dyskeratosis congenita, autosomal dominant 6. Last evaluated: 2022-08-31. Review status: criteria provided, single submitter. Criteria: Invitae Variant Classification Sherloc (09022015). Collection method: clinical testing. Allele origin: germline.
Comment: This variant is not present in population databases (gnomAD no frequency). For these reasons, this variant has been classified as Pathogenic. Experimental studies have shown that this variant affects ACD function (PMID: 25205116, 25233904, 27807141). Algorithms developed to predict the effect of variants on protein structure and function are not available or were not evaluated for this variant. ClinVar contains an entry for this variant (Variation ID: 208983). This variant has been observed in individual(s) with clinical features of dyskeratosis congenita (PMID: 25205116, 25233904, 31515401; Invitae). It has also been observed to segregate with disease in related individuals. This variant, c.508_510del, results in the deletion of 1 amino acid(s) of the ACD protein (p.Lys170del), but otherwise preserves the integrity of the reading frame.

OMIM
Classification: Pathogenic for DYSKERATOSIS CONGENITA, AUTOSOMAL DOMINANT 6 (1 family). Last evaluated: 2014-10-30. Review status: no assertion criteria provided. Collection method: literature only. Allele origin: germline. Not counted in ClinVar's aggregate classification.

OMIM
Classification: Pathogenic for DYSKERATOSIS CONGENITA, AUTOSOMAL RECESSIVE 7. Last evaluated: 2014-10-30. Review status: no assertion criteria provided. Collection method: literature only. Allele origin: germline. Not counted in ClinVar's aggregate classification.

GeneReviews
No classification provided. Condition: Dyskeratosis congenita, autosomal dominant 6. Review status: no classification provided. Collection method: literature only. Allele origin: germline. Affected: yes. Not counted in ClinVar's aggregate classification.

Literature cited by the submitters: PubMed 25205116 (cited by 3 submitters); PubMed 25233904 (cited by 3 submitters); PubMed 27807141 (cited by Labcorp Genetics (formerly Invitae), Labcorp); PubMed 31515401 (cited by Labcorp Genetics (formerly Invitae), Labcorp); NCBI Bookshelf NBK22301 (cited by GeneReviews).